The following is an entry in ClinVar:

ClinVar aggregate classification (germline): Likely benign. Review status: criteria provided, multiple submitters, no conflicts (2 of 4 stars). 2 submissions from 2 submitters: Likely benign (2). Last evaluated 2026-01-14.

Conditions:
GNE myopathy (NM). Also called: IBM 2; Inclusion body myopathy autosomal recessive; Inclusion body myopathy quadriceps sparing; INCLUSION BODY MYOPATHY, HEREDITARY, AUTOSOMAL RECESSIVE; INCLUSION BODY MYOPATHY 2, AUTOSOMAL RECESSIVE; MYOPATHY, DISTAL, WITH OR WITHOUT RIMMED VACUOLES. Identifiers: Orphanet 602, MedGen C1853926, MONDO:0011603, OMIM 605820.
Sialuria. Also called: SIALURIA, FRENCH TYPE; Sialic Acid Storage Disease. Identifiers: Orphanet 3166, MedGen C0342853, MONDO:0010028, OMIM 269921.

Allele frequency attached by ClinVar (database versions not stated): TOPMed below 0.00001; gnomAD 0.00001; gnomAD exomes 0.00001.
gnomAD v4.1: 4 of 1,613,870 alleles (0.00025%); highest among the groups gnomAD compares: Non-Finnish European, 0.00034%; no homozygotes.

Submissions (2):

Labcorp Genetics (formerly Invitae), Labcorp
Classification: Likely benign for Sialuria; GNE myopathy. Last evaluated: 2026-01-14. Review status: criteria provided, single submitter. Criteria: Invitae Variant Classification Sherloc (09022015). Collection method: clinical testing. Allele origin: germline.

CeGaT Center for Human Genetics Tuebingen
Classification: Likely benign. Last evaluated: 2022-10-01. Review status: criteria provided, single submitter. Criteria: CeGaT Center For Human Genetics Tuebingen Variant Classification Criteria Version 2. Collection method: clinical testing. Allele origin: germline. Affected: yes. Observed: 1 variant allele.
Comment: GNE: BP4, BP7

NM_005476.7(GNE):c.1812T>C (p.His604=)

Gene: GNE (glucosamine (UDP-N-acetyl)-2-epimerase/N-acetylmannosamine kinase; minus strand). Cytogenetic location: 9p13.3.
Variant type: single nucleotide variant.
Coding change: c.1812T>C on transcript NM_005476.7 (MANE Select); coding-DNA position 1812, T replaced by C.
Protein change: p.His604=; no amino-acid change (histidine 604 retained).
Molecular consequence: synonymous variant.
Genome position (GRCh38, 1-based): chr9:36,219,842, A>G on the plus strand (T>C on the coding strand, the complement: GNE is on the minus strand). VCF-style: chr9-36219842-A-G. GRCh37 (hg19) VCF-style: chr9-36219839-A-G.
Other names: c.1905T>C, p.His635= (NM_001128227.3); c.1590T>C, p.His530= (NM_001190383.3); c.1482T>C, p.His494= (NM_001190384.3); c.1635T>C, p.His545= (NM_001190388.2, NM_001374798.1); c.1659T>C, p.His553= (NM_001374797.1).
Identifiers: ClinVar variation 1115594 (VCV001115594.32), dbSNP rs541458680, ClinGen allele CA192841294.
Genomic context (GRCh38, chr9:36,219,842, plus strand): 5'-TTTGAAGTACTTGTCTACTATTTGGTTACTTAATTCCTCGAGAGAGGGACACCAACCATC[A>G]TGGAGCTTTTTTGCCTCCCTCTGCAAGGCCATTCCAGAGGCGTATGCTTCAATGCACCCA-3'
Protein context (NP_005467.1, residues 594-614): MALQREAKKL[His604=]DEDLLLVEGM